The following is an entry in ClinVar:

ClinVar aggregate classification (germline): Pathogenic. Review status: criteria provided, multiple submitters, no conflicts (2 of 4 stars). 5 submissions from 5 submitters: Pathogenic (5). Last evaluated 2023-11-13.

Conditions:
Bethlem myopathy 1A. Also called: Bethlem Muscular Dystrophy; MYOPATHY, BENIGN CONGENITAL, WITH CONTRACTURES; Bethlem myopathy 1. Identifiers: Orphanet 610, MedGen CN029274, MONDO:0024530, OMIM 158810.

Submissions (5):

3billion
Classification: Pathogenic for Bethlem myopathy 1A. Last evaluated: 2023-11-13. Review status: criteria provided, single submitter. Criteria: ACMG Guidelines, 2015. Collection method: clinical testing. Allele origin: germline. Affected: yes.
Comment: The variant is not observed in the gnomAD v2.1.1 dataset. Predicted Consequence/Location: Canonical splice site: predicted to alter splicing and result in a loss or disruption of normal protein function. Multiple pathogenic loss-of-function variants are reported downstream of the variant. In silico tools predict the variant to alter splicing and produce an abnormal transcript [Splice AI: 0.98 (spliceogenicity >=0.2, non-spliceogenicity <0.1)]. The variant has been reported at least twice as pathogenic with clinical assertions and evidence for the classification (ClinVar ID: VCV000476406). Therefore, this variant is classified as Pathogenic according to the recommendation of ACMG/AMP guideline.

Revvity Omics, Revvity
Classification: Pathogenic. Last evaluated: 2019-08-16. Review status: criteria provided, single submitter. Criteria: ACMG Guidelines, 2015. Collection method: clinical testing. Allele origin: germline.

GeneDx
Classification: Pathogenic. Last evaluated: 2019-06-17. Review status: criteria provided, single submitter. Criteria: GeneDx Variant Classification Process June 2021. Collection method: clinical testing. Allele origin: germline. Affected: yes.
Comment: Published RNA functional studies show that this variant results in the in-frame excision of exon 14, located within the triple helical region (Cruz et al., 2016); Deletions involving coding exons in this gene are frequently reported as pathogenic, regardless of frame prediction (Stenson et al., 2014); Not observed in large population cohorts (Lek et al., 2016); This variant is associated with the following publications: (PMID: 27854213)

Labcorp Genetics (formerly Invitae), Labcorp
Classification: Pathogenic for Bethlem myopathy 1A. Last evaluated: 2017-12-26. Review status: criteria provided, single submitter. Criteria: Invitae Variant Classification Sherloc (09022015). Collection method: clinical testing. Allele origin: germline.
Comment: This sequence change affects an acceptor splice site in intron 13 of the COL6A1 gene. It is expected to disrupt RNA splicing and likely results in an absent or disrupted protein product. This variant is not present in population databases (ExAC no frequency). Algorithms developed to predict the effect of sequence changes on RNA splicing suggest that this variant may disrupt the consensus splice site, but this prediction has not been confirmed by published transcriptional studies. Donor and acceptor splice site variants typically lead to a loss of protein function (PMID: 16199547), and loss-of-function variants in COL6A1 are known to be pathogenic (PMID: 19884007, 20976770). For these reasons, this variant has been classified as Pathogenic.

Eurofins Ntd Llc (ga)
Classification: Pathogenic. Last evaluated: 2017-03-20. Review status: criteria provided, single submitter. Criteria: EGL Classification Definitions 2015. Collection method: clinical testing. Allele origin: germline. Observed: 2 variant alleles, 2 heterozygotes.

Literature cited by the submitters: PubMed 16199547 (cited by Labcorp Genetics (formerly Invitae), Labcorp); PubMed 19884007 (cited by Labcorp Genetics (formerly Invitae), Labcorp); PubMed 20976770 (cited by Labcorp Genetics (formerly Invitae), Labcorp).

NM_001848.3(COL6A1):c.1003-2del

Gene: COL6A1 (collagen type VI alpha 1 chain; plus strand). Cytogenetic location: 21q22.3.
Variant type: Deletion.
Coding change: c.1003-2del on transcript NM_001848.3 (MANE Select); the canonical splice acceptor site of the intron before coding-DNA position 1003, one base deleted (A; older notation c.1003-2delA).
Molecular consequence: splice acceptor variant.
Genome position (GRCh38, 1-based): chr21:45,990,771, A deleted. VCF-style (leftmost placement, unchanged base first): chr21-45990770-CA-C. GRCh37 (hg19) VCF-style: chr21-47410684-CA-C.
Other names: c.1003-2delA (NM_001848.2).
Identifiers: ClinVar variation 476406 (VCV000476406.19), dbSNP rs1556425835, ClinGen allele CA658656799.